The following is an entry in ClinVar:

ClinVar aggregate classification (germline): Uncertain significance. Review status: criteria provided, multiple submitters, no conflicts (2 of 4 stars). 2 submissions from 2 submitters: Uncertain significance (2). Last evaluated 2024-02-05.

Conditions:
Marfan syndrome (MFS). Also called: FBN1-Related Marfan Syndrome; MARFAN SYNDROME, TYPE I; Marfan syndrome type 1; Marfan's syndrome; Marfan syndrome, classic. Identifiers: Orphanet 284963, Orphanet 558, MedGen C0024796, MONDO:0007947, OMIM 154700.
Familial thoracic aortic aneurysm and aortic dissection (TAAD). Also called: Thoracic aortic aneurysms and dissections. Identifiers: Orphanet 91387, MedGen C4707243, MONDO:0019625.

Allele frequency attached by ClinVar (database versions not stated): gnomAD exomes below 0.00001.
gnomAD v4.1: 3 of 1,612,494 alleles (0.00019%); highest among the groups gnomAD compares: South Asian, 0.0022%; no homozygotes.

Submissions (2):

All of Us Research Program, National Institutes of Health
Classification: Uncertain significance for Marfan syndrome. Last evaluated: 2024-02-05. Review status: criteria provided, single submitter. Criteria: ACMG Guidelines, 2015. Collection method: clinical testing. Allele origin: germline. Inheritance: Autosomal dominant inheritance. Observed: 1 variant allele, 1 heterozygote.
Comment: This missense variant replaces alanine with valine at codon 2106 of the FBN1 protein. Computational prediction is inconclusive regarding the impact of this variant on protein structure and function (internally defined REVEL score threshold 0.5 < inconclusive < 0.7, PMID: 27666373). To our knowledge, functional studies have not been reported for this variant. This variant has not been reported in individuals affected with FBN1-related disorders in the literature. This variant has been identified in 1/250382 chromosomes in the general population by the Genome Aggregation Database (gnomAD). The available evidence is insufficient to determine the role of this variant in disease conclusively. Therefore, this variant is classified as a Variant of Uncertain Significance.

This study involves interpretation of variants in research participants for the purpose of population health screening. Participant phenotype was not available at the time of variant classification. Additional details can be found in publication PMID: 35346344, PMCID: PMC8962531

Color Diagnostics, LLC DBA Color Health
Classification: Uncertain significance for Familial thoracic aortic aneurysm and aortic dissection. Last evaluated: 2024-01-29. Review status: criteria provided, single submitter. Criteria: ACMG Guidelines, 2015. Collection method: clinical testing. Allele origin: germline.
Comment: This missense variant replaces alanine with valine at codon 2106 of the FBN1 protein. Computational prediction is inconclusive regarding the impact of this variant on protein structure and function (internally defined REVEL score threshold 0.5 < inconclusive < 0.7, PMID: 27666373). To our knowledge, functional studies have not been reported for this variant. This variant has not been reported in individuals affected with FBN1-related disorders in the literature. This variant has been identified in 1/250382 chromosomes in the general population by the Genome Aggregation Database (gnomAD). The available evidence is insufficient to determine the role of this variant in disease conclusively. Therefore, this variant is classified as a Variant of Uncertain Significance.

NM_000138.5(FBN1):c.6317C>T (p.Ala2106Val)

Gene: FBN1 (fibrillin 1; minus strand). Cytogenetic location: 15q21.1.
Variant type: single nucleotide variant.
Coding change: c.6317C>T on transcript NM_000138.5 (MANE Select); coding-DNA position 6317, C replaced by T.
Protein change: p.Ala2106Val; replaces alanine 2106 with valine.
Molecular consequence: missense variant.
Genome position (GRCh38, 1-based): chr15:48,437,384, G>A on the plus strand (C>T on the coding strand, the complement: FBN1 is on the minus strand). VCF-style: chr15-48437384-G-A. GRCh37 (hg19) VCF-style: chr15-48729581-G-A.
Other names: c.6317C>T, p.Ala2106Val (NM_001406716.1); short protein forms A2106V.
Identifiers: ClinVar variation 2773327 (VCV002773327.3), dbSNP rs1437239300, ClinGen allele CA392336862.